The following is an entry in ClinVar:

NM_006922.4(SCN3A):c.4824_4825delinsAC (p.Met1609Leu)

Gene: SCN3A (sodium voltage-gated channel alpha subunit 3; minus strand). Cytogenetic location: 2q24.3.
Variant type: Indel.
Coding change: c.4824_4825delinsAC on transcript NM_006922.4 (MANE Select); coding-DNA positions 4824 to 4825, GA replaced by AC.
Protein change: p.Met1609Leu; replaces methionine 1609 with leucine.
Molecular consequence: missense variant.
Genome position (GRCh38, 1-based): chr2:165,091,328-165,091,329, TC replaced by GT on the plus strand (GA replaced by AC on the coding strand, the reverse complement: SCN3A is on the minus strand). VCF-style: chr2-165091328-TC-GT. GRCh37 (hg19) VCF-style: chr2-165947838-TC-GT.
Other names: c.4677_4678delinsAC, p.Met1560Leu (NM_001081676.2, NM_001081677.2); short protein forms M1609L, M1560L.
Identifiers: ClinVar variation 1348116 (VCV001348116.6), dbSNP rs2105622274, ClinGen allele CA2573133574.

ClinVar aggregate classification (germline): Uncertain significance (1 of 4 stars; one submission).

Submission:

Labcorp Genetics (formerly Invitae), Labcorp
Classification: Uncertain significance. Last evaluated: 2022-02-08. Review status: criteria provided, single submitter. Criteria: Invitae Variant Classification Sherloc (09022015). Collection method: clinical testing. Allele origin: germline.
Comment: In summary, the available evidence is currently insufficient to determine the role of this variant in disease. Therefore, it has been classified as a Variant of Uncertain Significance. Experimental studies and prediction algorithms are not available or were not evaluated, and the functional significance of this variant is currently unknown. This variant has not been reported in the literature in individuals affected with SCN3A-related conditions. Information on the frequency of this variant in the gnomAD database is not available, as this variant may be reported differently in the database. This sequence change replaces methionine with leucine at codon 1609 of the SCN3A protein (p.Met1609Leu). The methionine residue is weakly conserved and there is a small physicochemical difference between methionine and leucine.